The following is an entry in ClinVar:

NM_000465.4(BARD1):c.1622C>T (p.Ser541Leu)

Gene: BARD1 (BRCA1 associated RING domain 1; minus strand). Cytogenetic location: 2q35.
Variant type: single nucleotide variant.
Coding change: c.1622C>T on transcript NM_000465.4 (MANE Select); coding-DNA position 1622, C replaced by T.
Protein change: p.Ser541Leu; replaces serine 541 with leucine.
Molecular consequence: missense variant. On other transcripts: non-coding transcript variant (3), intron variant (1).
Genome position (GRCh38, 1-based): chr2:214,752,502, G>A on the plus strand (C>T on the coding strand, the complement: BARD1 is on the minus strand). VCF-style: chr2-214752502-G-A. GRCh37 (hg19) VCF-style: chr2-215617226-G-A.
Other names: c.1565C>T, p.Ser522Leu (NM_001282543.2); c.269C>T, p.Ser90Leu (NM_001282545.2); c.212C>T, p.Ser71Leu (NM_001282548.2); c.365-21994C>T (NM_001282549.2); short protein forms S541L, S522L, S71L, S90L.
Identifiers: ClinVar variation 482834 (VCV000482834.19), dbSNP rs777937955, ClinGen allele CA2090209.

ClinVar aggregate classification (germline): Uncertain significance. Review status: criteria provided, multiple submitters, no conflicts (2 of 4 stars). 5 submissions from 5 submitters: Uncertain significance (5). Last evaluated 2025-04-13.

Conditions:
Familial cancer of breast. Also called: BREAST CANCER, FAMILIAL; Hereditary breast cancer; hereditary breast carcinoma. Identifiers: Orphanet 227535, MedGen C0346153, MONDO:0016419, OMIM 114480. Disease mechanism: loss of function.
Hereditary cancer-predisposing syndrome. Also called: Neoplastic Syndromes, Hereditary; Tumor predisposition; Hereditary Cancer Syndrome; Hereditary neoplastic syndrome. Identifiers: Orphanet 140162, MedGen C0027672, MeSH D009386, MONDO:0015356.

Allele frequency attached by ClinVar (database versions not stated): TOPMed below 0.00001; gnomAD 0.00001; ExAC 0.00003; gnomAD exomes 0.00003.
gnomAD v4.1: 9 of 1,613,726 alleles (0.00056%); highest among the groups gnomAD compares: South Asian, 0.0077%; no homozygotes.

Submissions (5):

Labcorp Genetics (formerly Invitae), Labcorp
Classification: Uncertain significance for Familial cancer of breast. Last evaluated: 2025-04-13. Review status: criteria provided, single submitter. Criteria: Invitae Variant Classification Sherloc (09022015). Collection method: clinical testing. Allele origin: germline.
Comment: This sequence change replaces serine, which is neutral and polar, with leucine, which is neutral and non-polar, at codon 541 of the BARD1 protein (p.Ser541Leu). This variant is present in population databases (rs777937955, gnomAD 0.01%). This variant has not been reported in the literature in individuals affected with BARD1-related conditions. ClinVar contains an entry for this variant (Variation ID: 482834). An algorithm developed to predict the effect of missense changes on protein structure and function (PolyPhen-2) suggests that this variant is likely to be disruptive. In summary, the available evidence is currently insufficient to determine the role of this variant in disease. Therefore, it has been classified as a Variant of Uncertain Significance.

Center for Genomic Medicine, Rigshospitalet, Copenhagen University Hospital
Classification: Uncertain significance. Last evaluated: 2025-03-04. Review status: criteria provided, single submitter. Criteria: ACMG Guidelines, 2015. Collection method: clinical testing. Allele origin: germline.

Ambry Genetics
Classification: Uncertain significance for Hereditary cancer-predisposing syndrome. Last evaluated: 2024-04-23. Review status: criteria provided, single submitter. Criteria: Ambry Variant Classification Scheme 2023. Collection method: clinical testing. Allele origin: germline.
Comment: The p.S541L variant (also known as c.1622C>T), located in coding exon 7 of the BARD1 gene, results from a C to T substitution at nucleotide position 1622. The serine at codon 541 is replaced by leucine, an amino acid with dissimilar properties. This amino acid position is well conserved in available vertebrate species. In addition, the in silico prediction for this alteration is inconclusive. Based on the available evidence, the clinical significance of this variant remains unclear.

Color Diagnostics, LLC DBA Color Health
Classification: Uncertain significance for Hereditary cancer-predisposing syndrome. Last evaluated: 2023-01-23. Review status: criteria provided, single submitter. Criteria: ACMG Guidelines, 2015. Collection method: clinical testing. Allele origin: germline.
Comment: This missense variant replaces serine with leucine at codon 541 of the BARD1 protein. Computational prediction suggests that this variant may not impact protein structure and function (internally defined REVEL score threshold <= 0.5, PMID: 27666373). To our knowledge, functional studies have not been reported for this variant. This variant has not been reported in individuals affected with hereditary cancer in the literature. This variant has been identified in 7/251354 chromosomes in the general population by the Genome Aggregation Database (gnomAD). The available evidence is insufficient to determine the role of this variant in disease conclusively. Therefore, this variant is classified as a Variant of Uncertain Significance.

PreventionGenetics, part of Exact Sciences
Classification: Uncertain significance. Last evaluated: 2018-01-09. Review status: criteria provided, single submitter. Criteria: ACMG Guidelines, 2015. Collection method: clinical testing. Allele origin: germline.